The following is an entry in ClinVar:

NM_181332.3(NLGN4X):c.1462G>A (p.Ala488Thr)

Gene: NLGN4X (neuroligin 4 X-linked; minus strand). Cytogenetic location: Xp22.32.
Variant type: single nucleotide variant.
Coding change: c.1462G>A on transcript NM_181332.3 (MANE Select); coding-DNA position 1462, G replaced by A.
Protein change: p.Ala488Thr; replaces alanine 488 with threonine.
Molecular consequence: missense variant.
Genome position (GRCh38, 1-based): chrX:5,903,216, C>T on the plus strand (G>A on the coding strand, the complement: NLGN4X is on the minus strand). VCF-style: chrX-5903216-C-T. GRCh37 (hg19) VCF-style: chrX-5821257-C-T.
Other names: c.1462G>A, p.Ala488Thr (NM_001282145.2, NM_001282146.2, NM_020742.4); short protein forms A488T.
Identifiers: ClinVar variation 3370915 (VCV003370915.1).
Genomic context (GRCh38, chrX:5,903,216, plus strand): 5'-AGAGCTCGGTGGGACCGATCATGGGGATGCCGAAGACATAGGGGACCTCATCACCATGGG[C>T]CGAATCTGCCCAGCTGGGCTTCATTTCGCTTTGGCAGTGATGATAGAAGGCATAGAAGTA-3'
Protein context (NP_851849.1, residues 478-498): SEMKPSWADS[Ala488Thr]HGDEVPYVFG

ClinVar aggregate classification (germline): Uncertain significance (1 of 4 stars; one submission).

gnomAD v4.1: 1 of 1,211,834 alleles (0.000083%); highest among the groups gnomAD compares: African/African-American, 0.0017%; no homozygotes.

Submission:

GeneDx
Classification: Uncertain significance. Last evaluated: 2024-03-15. Review status: criteria provided, single submitter. Criteria: GeneDx Variant Classification Process June 2021. Collection method: clinical testing. Allele origin: germline. Affected: yes.
Comment: Not observed at significant frequency in large population cohorts (gnomAD); In silico analysis supports that this missense variant has a deleterious effect on protein structure/function; Has not been previously published as pathogenic or benign to our knowledge